The following is an entry in ClinVar:

NM_000059.4(BRCA2):c.6406T>A (p.Leu2136Ile)

Gene: BRCA2 (BRCA2 DNA repair associated; plus strand). Cytogenetic location: 13q13.1.
Variant type: single nucleotide variant.
Coding change: c.6406T>A on transcript NM_000059.4 (MANE Select); coding-DNA position 6406, T replaced by A.
Protein change: p.Leu2136Ile; replaces leucine 2136 with isoleucine.
Molecular consequence: missense variant.
Genome position (GRCh38, 1-based): chr13:32,340,761, T>A. VCF-style: chr13-32340761-T-A. GRCh37 (hg19) VCF-style: chr13-32914898-T-A.
Other names: short protein forms L2136I.
Identifiers: ClinVar variation 489769 (VCV000489769.22), dbSNP rs1231977477, ClinGen allele CA387789248.

ClinVar aggregate classification (germline): Conflicting classifications of pathogenicity. Review status: criteria provided, conflicting classifications (1 of 4 stars). 5 submissions from 5 submitters: Uncertain significance (4); Likely benign (1). Last evaluated 2025-11-22.

Conditions:
Hereditary breast ovarian cancer syndrome. Also called: Breast and ovarian cancer; Hereditary breast and/or ovarian cancer syndrome; Hereditary breast and ovarian cancer; Hereditary breast and ovarian cancer syndrome (HBOC); BRCA1- and BRCA2-Associated Hereditary Breast and Ovarian Cancer; Hereditary breast and ovarian cancer syndrome. Identifiers: Orphanet 145, MedGen C0677776, MeSH D061325, MONDO:0003582. Disease mechanism: loss of function.
Hereditary cancer-predisposing syndrome. Also called: Hereditary Cancer Syndrome; Neoplastic Syndromes, Hereditary; Tumor predisposition; Hereditary neoplastic syndrome. Identifiers: Orphanet 140162, MedGen C0027672, MeSH D009386, MONDO:0015356.

Allele frequency attached by ClinVar (database versions not stated): TOPMed 0.00001.

Submissions (5):

Labcorp Genetics (formerly Invitae), Labcorp
Classification: Uncertain significance for Hereditary breast ovarian cancer syndrome. Last evaluated: 2025-11-22. Review status: criteria provided, single submitter. Criteria: Invitae Variant Classification Sherloc (09022015). Collection method: clinical testing. Allele origin: germline.
Comment: This sequence change replaces leucine, which is neutral and non-polar, with isoleucine, which is neutral and non-polar, at codon 2136 of the BRCA2 protein (p.Leu2136Ile). This variant is not present in population databases (gnomAD no frequency). This variant has not been reported in the literature in individuals affected with BRCA2-related conditions. ClinVar contains an entry for this variant (Variation ID: 489769). Invitae Evidence Modeling of protein sequence and biophysical properties (such as structural, functional, and spatial information, amino acid conservation, physicochemical variation, residue mobility, and thermodynamic stability) indicates that this missense variant is not expected to disrupt BRCA2 protein function with a negative predictive value of 95%. In summary, the available evidence is currently insufficient to determine the role of this variant in disease. Therefore, it has been classified as a Variant of Uncertain Significance.

Color Diagnostics, LLC DBA Color Health
Classification: Uncertain significance for Hereditary cancer-predisposing syndrome. Last evaluated: 2023-12-05. Review status: criteria provided, single submitter. Criteria: ACMG Guidelines, 2015. Collection method: clinical testing. Allele origin: germline.
Comment: This missense variant replaces leucine with isoleucine at codon 2136 of the BRCA2 protein. Computational prediction suggests that this variant may not impact protein structure and function (internally defined REVEL score threshold <= 0.5, PMID: 27666373). To our knowledge, functional studies have not been reported for this variant. This variant has not been reported in individuals affected with BRCA2-related disorders in the literature. This variant has not been identified in the general population by the Genome Aggregation Database (gnomAD). The available evidence is insufficient to determine the role of this variant in disease conclusively. Therefore, this variant is classified as a Variant of Uncertain Significance.

Ambry Genetics
Classification: Uncertain significance for Hereditary cancer-predisposing syndrome. Last evaluated: 2023-04-20. Review status: criteria provided, single submitter. Criteria: Ambry Variant Classification Scheme 2023. Collection method: clinical testing. Allele origin: germline.
Comment: The p.L2136I variant (also known as c.6406T>A), located in coding exon 10 of the BRCA2 gene, results from a T to A substitution at nucleotide position 6406. The leucine at codon 2136 is replaced by isoleucine, an amino acid with highly similar properties. This amino acid position is poorly conserved in available vertebrate species. In addition, this alteration is predicted to be tolerated by in silico analysis. Since supporting evidence is limited at this time, the clinical significance of this alteration remains unclear.

University of Washington Department of Laboratory Medicine, University of Washington
Classification: Likely benign for Hereditary cancer-predisposing syndrome. Last evaluated: 2023-03-23. Review status: criteria provided, single submitter. Criteria: Dines et al. (Genet Med. 2020). Collection method: curation. Allele origin: germline.
Comment: Missense variant in a coldspot region where missense variants are very unlikely to be pathogenic (PMID:31911673).

BRCA2 exon 11 coldspot. Reclassification based on statistical prior probability.

Quest Diagnostics Nichols Institute San Juan Capistrano
Classification: Uncertain significance. Last evaluated: 2018-07-17. Review status: criteria provided, single submitter. Criteria: Quest Diagnostics criteria. Collection method: clinical testing. Allele origin: germline.